The following is an entry in ClinVar:

NM_001291415.2(KDM6A):c.2379dup (p.Ala794fs)

Gene: KDM6A (lysine demethylase 6A; plus strand). Cytogenetic location: Xp11.3.
Variant type: Duplication.
Coding change: c.2379dup on transcript NM_001291415.2 (MANE Select); coding-DNA position 2379, one base duplicated (T; older notation c.2379dupT).
Protein change: p.Ala794fs; shifts the reading frame from alanine 794.
Molecular consequence: frameshift variant. On other transcripts: non-coding transcript variant (1).
Genome position (GRCh38, 1-based): chrX:45,069,878, T duplicated. VCF-style (leftmost placement, unchanged base first): chrX-45069877-C-CT. GRCh37 (hg19) VCF-style: chrX-44929122-C-CT.
Other names: c.1986dup, p.Ala663fs (NM_001291418.2); c.1335dup, p.Ala446fs (NM_001291421.2); c.2121dup, p.Ala708Cysfs (NM_001410742.1); c.2223dup, p.Ala742fs (NM_021140.4); c.2244dup, p.Ala749fs (NM_001291416.2); c.2088dup, p.Ala697fs (NM_001291417.2); short protein forms A446fs, A663fs, A697fs, A742fs, A749fs, A794fs.
Identifiers: ClinVar variation 1805035 (VCV001805035.1), dbSNP rs2522983092, ClinGen allele CA923726307.
Genomic context (GRCh38, chrX:45,069,877, plus strand): 5'-CAGGAAACATATTGACGGTGCCTGAAACAAGCAGGCACACTGGAGAGACACCTAACAGCA[C>CT]TGCCAGTGTCGAGGGACTTCCTAATCATGTCCATCAGATGACGGCAGATGCTGTTTGCAG-3'

ClinVar aggregate classification (germline): Pathogenic (1 of 4 stars; one submission).

Conditions:
Kabuki syndrome 2 (KABUK2). Also called: KDM6A-Related Kabuki Syndrome. Identifiers: Orphanet 2322, MedGen C3275495, MONDO:0010465, OMIM 300867.

Submission:

Victorian Clinical Genetics Services, Murdoch Childrens Research Institute
Classification: Pathogenic for Kabuki syndrome 2. Last evaluated: 2020-10-19. Review status: criteria provided, single submitter. Criteria: ACMG Guidelines, 2015. Collection method: clinical testing. Allele origin: germline. Inheritance: X-linked dominant inheritance.
Comment: Based on the classification scheme VCGS_Germline_v1.1.1, this variant is classified as Pathogenic. Following criteria are met: 0102 - Loss-of-function is a known mechanism of disease for this gene. (N) 0110 - This gene is known to be associated with X-linked dominant disease. (N) 0201 - Variant is predicted to cause nonsense-mediated decay (NMD) and loss of protein (exon 17 of 29). (P) 0253 - Variant is hemizygous. (N) 0301 - Variant is absent from gnomAD. (P) 0701 - Comparable variants have very strong previous evidence for pathogenicity. Other NMD predicted variants have also been reported in multiple patients with Kabuki syndrome (ClinVar, Decipher, PMID: 31883305). (P) 0807 - Variant has not previously been reported in a clinical context. (N) 0905 - No segregation evidence has been identified for this variant. (N) 1007 - No published functional evidence has been identified for this variant. (P) Legend: (P) - Pathogenic, (N) - Neutral, (B) - Benign

Literature cited by the submitters: PubMed 31883305.